The following is an entry in ClinVar:

NM_001378609.3(OTOGL):c.6386C>G (p.Ser2129Cys)

Gene: OTOGL (otogelin like; plus strand). Cytogenetic location: 12q21.31.
Variant type: single nucleotide variant.
Coding change: c.6386C>G on transcript NM_001378609.3 (MANE Select); coding-DNA position 6386, C replaced by G.
Protein change: p.Ser2129Cys; replaces serine 2129 with cysteine.
Molecular consequence: missense variant.
Genome position (GRCh38, 1-based): chr12:80,367,615, C>G. VCF-style: chr12-80367615-C-G. GRCh37 (hg19) VCF-style: chr12-80761395-C-G.
Other names: c.6251C>G, p.Ser2084Cys (NM_001368062.3); c.6386C>G, p.Ser2129Cys (NM_001378610.3, NM_173591.7); c.6359C>G (NM_173591.3); short protein forms S2129C, S2084C.
Identifiers: ClinVar variation 1982810 (VCV001982810.5), dbSNP rs879685678, ClinGen allele CA240246584.

ClinVar aggregate classification (germline): Uncertain significance. Review status: criteria provided, multiple submitters, no conflicts (2 of 4 stars). 2 submissions from 2 submitters: Uncertain significance (2). Last evaluated 2024-05-31.

gnomAD v4.1: 1 of 1,545,322 alleles (0.000065%); no homozygotes.

Submissions (2):

GeneDx
Classification: Uncertain significance. Last evaluated: 2024-05-31. Review status: criteria provided, single submitter. Criteria: GeneDx Variant Classification Process June 2021. Collection method: clinical testing. Allele origin: germline. Affected: yes.
Comment: Not observed at significant frequency in large population cohorts (gnomAD); In silico analysis supports that this missense variant has a deleterious effect on protein structure/function; Has not been previously published as pathogenic or benign to our knowledge

Labcorp Genetics (formerly Invitae), Labcorp
Classification: Uncertain significance. Last evaluated: 2022-03-01. Review status: criteria provided, single submitter. Criteria: Invitae Variant Classification Sherloc (09022015). Collection method: clinical testing. Allele origin: germline.
Comment: In summary, the available evidence is currently insufficient to determine the role of this variant in disease. Therefore, it has been classified as a Variant of Uncertain Significance. Algorithms developed to predict the effect of missense changes on protein structure and function are either unavailable or do not agree on the potential impact of this missense change (SIFT: "Deleterious"; PolyPhen-2: "Probably Damaging"; Align-GVGD: "Class C0"). This variant has not been reported in the literature in individuals affected with OTOGL-related conditions. This variant is present in population databases (no rsID available, gnomAD 0.1%). This sequence change replaces serine, which is neutral and polar, with cysteine, which is neutral and slightly polar, at codon 2120 of the OTOGL protein (p.Ser2120Cys).